The following is an entry in ClinVar:

NM_007317.3(KIF22):c.*8C>T

Gene: KIF22 (kinesin family member 22; plus strand). Cytogenetic location: 16p11.2.
Variant type: single nucleotide variant.
Coding change: c.*8C>T on transcript NM_007317.3 (MANE Select); 8 bases downstream of the stop codon, C replaced by T.
Molecular consequence: 3 prime UTR variant.
Genome position (GRCh38, 1-based): chr16:29,805,318, C>T. VCF-style: chr16-29805318-C-T. GRCh37 (hg19) VCF-style: chr16-29816639-C-T.
Other names: c.*8C>T (NM_001256269.2, NM_001256270.1).
Identifiers: ClinVar variation 4981755 (VCV004981755.1).

ClinVar aggregate classification (germline): Likely benign (1 of 4 stars; one submission).

Conditions:
KIF22-related disorder. Also called: KIF22-related condition.

gnomAD v4.1: 511 of 1,612,666 alleles (0.032%); highest among the groups gnomAD compares: East Asian, 0.82%; 6 homozygotes.

Submission:

PreventionGenetics, part of Exact Sciences
Classification: Likely benign for KIF22-related condition. Last evaluated: 2024-11-26. Review status: criteria provided, single submitter. Criteria: ACMG Guidelines, 2015. Collection method: clinical testing. Allele origin: germline.
Comment: This variant is classified as likely benign based on ACMG/AMP sequence variant interpretation guidelines (Richards et al. 2015 PMID: 25741868, with internal and published modifications).